The following is an entry in ClinVar:

ClinVar aggregate classification (germline): Likely pathogenic. Review status: criteria provided, multiple submitters, no conflicts (2 of 4 stars). 3 submissions from 3 submitters: Likely pathogenic (2). 1 of the submissions does not count toward it. Last evaluated 2024-01-10.

Conditions:
Neuronal ceroid lipofuscinosis 1 (CLN1). Also called: PPT1-Related Neuronal Ceroid-Lipofuscinosis; CEROID LIPOFUSCINOSIS, NEURONAL, 1, VARIABLE AGE AT ONSET. Identifiers: Orphanet 228329, MedGen C1850451, MONDO:0009744, OMIM 256730.

Submissions (3):

Baylor Genetics
Classification: Likely pathogenic for Neuronal ceroid lipofuscinosis 1. Last evaluated: 2024-01-10. Review status: criteria provided, single submitter. Criteria: ACMG Guidelines, 2015. Collection method: clinical testing. Allele origin: unknown.

Labcorp Genetics (formerly Invitae), Labcorp
Classification: Likely pathogenic for Neuronal ceroid lipofuscinosis 1. Last evaluated: 2022-05-31. Review status: criteria provided, single submitter. Criteria: Invitae Variant Classification Sherloc (09022015). Collection method: clinical testing. Allele origin: germline.
Comment: This variant is not present in population databases (gnomAD no frequency). This variant has not been reported in the literature in individuals affected with PPT1-related conditions. ClinVar contains an entry for this variant (Variation ID: 371602). Algorithms developed to predict the effect of sequence changes on RNA splicing suggest that this variant may disrupt the consensus splice site. In summary, the currently available evidence indicates that the variant is pathogenic, but additional data are needed to prove that conclusively. Therefore, this variant has been classified as Likely Pathogenic. This sequence change affects a donor splice site in intron 3 of the PPT1 gene. It is expected to disrupt RNA splicing. Variants that disrupt the donor or acceptor splice site typically lead to a loss of protein function (PMID: 16199547), and loss-of-function variants in PPT1 are known to be pathogenic (PMID: 10679943, 21990111).

Counsyl
Classification: Likely pathogenic for Neuronal ceroid lipofuscinosis 1. Last evaluated: 2016-11-01. Review status: no assertion criteria provided. Collection method: clinical testing. Allele origin: unknown. Not counted in ClinVar's aggregate classification.

Literature cited by the submitters: PubMed 16199547 (cited by Labcorp Genetics (formerly Invitae), Labcorp); PubMed 10679943 (cited by Labcorp Genetics (formerly Invitae), Labcorp); PubMed 21990111 (cited by Labcorp Genetics (formerly Invitae), Labcorp).

NM_000310.4(PPT1):c.362+1G>A

Gene: PPT1 (palmitoyl-protein thioesterase 1; minus strand). Cytogenetic location: 1p34.2.
Variant type: single nucleotide variant.
Coding change: c.362+1G>A on transcript NM_000310.4 (MANE Select); the canonical splice donor site of the intron after coding-DNA position 362, G replaced by A.
Molecular consequence: splice donor variant. On other transcripts: intron variant (1).
Genome position (GRCh38, 1-based): chr1:40,092,044, C>T on the plus strand (G>A on the coding strand, the complement: PPT1 is on the minus strand). VCF-style: chr1-40092044-C-T. GRCh37 (hg19) VCF-style: chr1-40557716-C-T.
Other names: c.125-2532G>A (NM_001142604.2); c.362+1G>A (NM_001363695.2).
Identifiers: ClinVar variation 371602 (VCV000371602.9), dbSNP rs1057517401, ClinGen allele CA16040729.
Genomic context (GRCh38, chr1:40,092,044, plus strand): 5'-GAATAAAAGAAACAAAAATCAATTCCATATAAGTGGTACAATATAACAAAAAGGAACGTA[C>T]AGAAATTGGCCTCCCTGGGAGAATCCCATAGCATTGTAGCCTTGCTGCAATTTAGGATCC-3'